The following is an entry in ClinVar:

ClinVar aggregate classification (germline): Pathogenic/Likely pathogenic. Review status: criteria provided, multiple submitters, no conflicts (2 of 4 stars). 5 submissions from 5 submitters: Pathogenic (2); Likely pathogenic (1). 2 of the submissions do not count toward it. Last evaluated 2025-02-24.

Conditions:
Jeune thoracic dystrophy. Also called: Jeune syndrome; Infantile thoracic dystrophy; Thoracic pelvic phalangeal dystrophy; Jeune's syndrome; Chondroectodermal dysplasia-like syndrome; Short-rib thoracic dysplasia. Identifiers: Orphanet 474, MedGen C0265275, MONDO:0018770.
DYNC2H1-related disorder. Also called: DYNC2H1-related disorders; DYNC2H1-related condition. Identifiers: MedGen CN378770.
Asphyxiating thoracic dystrophy 3. Also called: Saldino-Noonan Syndrome; SHORT-RIB THORACIC DYSPLASIA 3 WITH OR WITHOUT POLYDACTYLY; POLYDACTYLY WITH NEONATAL CHONDRODYSTROPHY, TYPE I; SHORT-RIB THORACIC DYSPLASIA 3/6 WITH POLYDACTYLY, DIGENIC; Short rib polydactyly syndrome 2B. Identifiers: Orphanet 474, Orphanet 93269, Orphanet 93270, Orphanet 93271, MedGen C0036069, MONDO:0013127, OMIM 613091.

Submissions (5):

Myriad Genetics, Inc.
Classification: Pathogenic for Asphyxiating thoracic dystrophy 3. Last evaluated: 2025-02-24. Review status: criteria provided, single submitter. Criteria: Myriad Autosomal Dominant, Autosomal Recessive and X-Linked Classification Criteria (2023). Collection method: clinical testing. Allele origin: unknown.
Comment: NM_001377.2(DYNC2H1):c.9760_9764del5(K3254*) is a nonsense variant classified as pathogenic in the context of DYNC2H1-related disorders. K3254* has been observed in a case with relevant disease (PMID: 29068549). Relevant functional assessments of this variant are not available in the literature. K3254* has been observed in referenced population frequency databases. In summary, NM_001377.2(DYNC2H1):c.9760_9764del5(K3254*) is a nonsense variant in a gene where loss of function is a known mechanism of disease, is predicted to disrupt protein function, and has been observed more frequently in cases with the relevant disease than in healthy populations. Please note: this variant was assessed in the context of healthy population screening.

Labcorp Genetics (formerly Invitae), Labcorp
Classification: Pathogenic for Jeune thoracic dystrophy. Last evaluated: 2023-03-14. Review status: criteria provided, single submitter. Criteria: Invitae Variant Classification Sherloc (09022015). Collection method: clinical testing. Allele origin: germline.
Comment: This sequence change creates a premature translational stop signal (p.Lys3254*) in the DYNC2H1 gene. It is expected to result in an absent or disrupted protein product. Loss-of-function variants in DYNC2H1 are known to be pathogenic (PMID: 23339108, 32753734). This variant is present in population databases (no rsID available, gnomAD 0.002%). This premature translational stop signal has been observed in individual(s) with asphyxiating thoracic dystrophy (PMID: 29068549). ClinVar contains an entry for this variant (Variation ID: 446546). Algorithms developed to predict the effect of sequence changes on RNA splicing suggest that this variant may disrupt the consensus splice site. For these reasons, this variant has been classified as Pathogenic.

PreventionGenetics, part of Exact Sciences
Classification: Likely pathogenic for DYNC2H1-related condition. Last evaluated: 2022-08-23. Review status: criteria provided, single submitter. Criteria: ACMG Guidelines, 2015. Collection method: clinical testing. Allele origin: germline.
Comment: The DYNC2H1 c.9760_9764del5 variant is predicted to result in premature protein termination (p.Lys3254*). This variant was reported in an individual with asphyxiating thoracic dystrophy (Zhang et al. 2018. PubMed ID: 29068549). This variant is reported in 0.0016% of alleles in individuals of European (Non-Finnish) descent in gnomAD. This variant is interpreted as likely pathogenic.

Dan Cohn Lab, University Of California Los Angeles
Classification: Pathogenic for Asphyxiating thoracic dystrophy. Last evaluated: 2017-06-01. Review status: no assertion criteria provided. Collection method: research. Allele origin: unknown. Affected: yes. Not counted in ClinVar's aggregate classification.

University of Washington Center for Mendelian Genomics, University of Washington
Classification: Likely pathogenic for asphyxiating thoracic dystrophy. Review status: no assertion criteria provided. Collection method: research. Allele origin: inherited. Affected: yes. Not counted in ClinVar's aggregate classification.

Literature cited by the submitters: PubMed 29068549 (cited by 4 submitters); PubMed 23339108 (cited by Labcorp Genetics (formerly Invitae), Labcorp); PubMed 32753734 (cited by Labcorp Genetics (formerly Invitae), Labcorp).

NM_001377.3(DYNC2H1):c.9760_9764del (p.Trp3253_Lys3254insTer)

Gene: DYNC2H1 (dynein cytoplasmic 2 heavy chain 1; plus strand). Cytogenetic location: 11q22.3.
Variant type: Deletion.
Coding change: c.9760_9764del on transcript NM_001377.3 (MANE Select); coding-DNA positions 9760 to 9764, 5 bases deleted (AAAAG; older notation c.9760_9764delAAAAG).
Protein change: p.Trp3253_Lys3254insTer.
Molecular consequence: nonsense.
Genome position (GRCh38, 1-based): chr11:103,236,480-103,236,484, AAAAG deleted; deleting any 5 consecutive bases within chr11:103,236,479-103,236,484 gives the same sequence; the c. name uses the placement nearest the transcript's 3' end. VCF-style (leftmost placement, unchanged base first): chr11-103236478-GGAAAA-G. GRCh37 (hg19) VCF-style: chr11-103107207-GGAAAA-G.
Other names: c.9760_9764del, p.Trp3253_Lys3254insTer (NM_001080463.2); c.9760_9764del5 (NM_001080463.1).
Identifiers: ClinVar variation 446546 (VCV000446546.8), dbSNP rs1218198013, ClinGen allele CA476600788.
Genomic context (GRCh38, chr11:103,236,478, plus strand): 5'-TCAACTTTTCAGAATTTGATCTGAGGAGATTTCTTTGTACTGAAAGTGAGCAGTTAATTT[GGAAAA>G]GTGAAGGCCTACCATCAGATGACCTTTCCATAGAAAATGCTCTTGTAATATTACAGGTAG-3'